The following is an entry in ClinVar:

NM_182916.3(TRNT1):c.542_545del (p.Val181fs)

Gene: TRNT1 (tRNA nucleotidyl transferase 1; plus strand). Cytogenetic location: 3p26.2.
Variant type: Deletion.
Coding change: c.542_545del on transcript NM_182916.3 (MANE Select); coding-DNA positions 542 to 545, 4 bases deleted (TTAG; older notation c.542_545delTTAG).
Protein change: p.Val181fs; shifts the reading frame from valine 181.
Molecular consequence: frameshift variant. On other transcripts: non-coding transcript variant (8).
Genome position (GRCh38, 1-based): chr3:3,144,644-3,144,647, TTAG deleted; deleting any 4 consecutive bases within chr3:3,144,642-3,144,647 gives the same sequence; the c. name uses the placement nearest the transcript's 3' end. VCF-style (leftmost placement, unchanged base first): chr3-3144641-AAGTT-A. GRCh37 (hg19) VCF-style: chr3-3186325-AAGTT-A.
Other names: c.542_545del, p.Val181fs (LRG_1314t1, NM_001302946.2, NM_001367321.1 and 2 more transcripts); c.542_545delTTAG (NM_182916.3); short protein forms V181fs.
Identifiers: ClinVar variation 423189 (VCV000423189.12), dbSNP rs769317780, ClinGen allele CA2228709.

ClinVar aggregate classification (germline): Pathogenic/Likely pathogenic. Review status: criteria provided, multiple submitters, no conflicts (2 of 4 stars). 7 submissions from 7 submitters: Pathogenic (4); Likely pathogenic (3). Last evaluated 2026-01-03.

Conditions:
Congenital sideroblastic anemia-B-cell immunodeficiency-periodic fever-developmental delay syndrome. Also called: Sideroblastic anemia with B-cell immunodeficiency, periodic fevers, and developmental delay. Identifiers: Orphanet 369861, MedGen C4015172, MONDO:0014487, OMIM 616084.
TRNT1-related disorder. Also called: TRNT1-related condition; TRNT1-related disorders.
Inborn genetic diseases. Identifiers: MedGen C0950123, MeSH D030342.
Retinal dystrophy. Also called: Inherited retinal dystrophy. Identifiers: Orphanet 71862, MedGen C0854723, MeSH D058499, MONDO:0019118, HP:0000556.

Submissions (7):

Labcorp Genetics (formerly Invitae), Labcorp
Classification: Pathogenic for Congenital sideroblastic anemia-B-cell immunodeficiency-periodic fever-developmental delay syndrome. Last evaluated: 2026-01-03. Review status: criteria provided, single submitter. Criteria: Invitae Variant Classification Sherloc (09022015). Collection method: clinical testing. Allele origin: germline.
Comment: This sequence change creates a premature translational stop signal (p.Val181Aspfs*18) in the TRNT1 gene. It is expected to result in an absent or disrupted protein product. Loss-of-function variants in TRNT1 are known to be pathogenic (PMID: 25193871). This variant is present in population databases (rs769317780, gnomAD 0.002%). This variant has not been reported in the literature in individuals affected with TRNT1-related conditions. ClinVar contains an entry for this variant (Variation ID: 423189). For these reasons, this variant has been classified as Pathogenic.

Ambry Genetics
Classification: Pathogenic for Inborn genetic diseases. Last evaluated: 2024-08-02. Review status: criteria provided, single submitter. Criteria: Ambry Variant Classification Scheme 2023. Collection method: clinical testing. Allele origin: germline.
Comment: The c.542_545delTTAG (p.V181Dfs*18) alteration, located in exon 5 (coding exon 4) of the TRNT1 gene, consists of a deletion of 4 nucleotides from position 542 to 545, causing a translational frameshift with a predicted alternate stop codon after 18 amino acids. This alteration is expected to result in loss of function by premature protein truncation or nonsense-mediated mRNA decay. Based on data from gnomAD, the c.542_545delTTAG allele has an overall frequency of 0.001% (2/246268) total alleles studied. The highest observed frequency was 0.002% (2/112514) of European (non-Finnish) alleles. Based on the available evidence, this alteration is classified as pathogenic.

Blueprint Genetics
Classification: Likely pathogenic for TRNT1-related disorders. Last evaluated: 2024-06-14. Review status: criteria provided, single submitter. Criteria: ACMG Guidelines, 2015. Collection method: clinical testing. Allele origin: germline. Affected: yes. Observed: 4 variant alleles.

Dept Of Ophthalmology, Nagoya University
Classification: Pathogenic for Retinal dystrophy. Last evaluated: 2023-10-01. Review status: criteria provided, single submitter. Criteria: Submitter's publication. Collection method: research. Allele origin: germline. Affected: yes.

PreventionGenetics, part of Exact Sciences
Classification: Likely pathogenic for TRNT1-related condition. Last evaluated: 2023-09-13. Review status: criteria provided, single submitter. Criteria: ACMG Guidelines, 2015. Collection method: clinical testing. Allele origin: germline.
Comment: The TRNT1 c.542_545delTTAG variant is predicted to result in a frameshift and premature protein termination (p.Val181Aspfs*18). To our knowledge, this variant has not been reported in the literature in individuals with TRNT1-related disorders. However, this variant was reported in the heterozygous state in a study of individuals who volunteered for whole genome sequencing (Dataset 1, Tab 3, Hou et al. 2020. PubMed ID: 31980526). This variant is reported in 0.0018% of alleles in individuals of European (Non-Finnish) descent in gnomAD. Frameshift variants in TRNT1 are expected to be pathogenic. This variant is interpreted as likely pathogenic.

Institute of Human Genetics, Univ. Regensburg, Univ. Regensburg
Classification: Pathogenic for Retinal dystrophy. Last evaluated: 2019-01-01. Review status: criteria provided, single submitter. Criteria: ACMG Guidelines, 2015. Collection method: clinical testing. Allele origin: germline. Affected: yes.

GeneDx
Classification: Likely pathogenic. Last evaluated: 2017-02-27. Review status: criteria provided, single submitter. Criteria: GeneDx Variant Classification (06012015). Collection method: clinical testing. Allele origin: germline. Affected: yes.
Comment: The c.542_545delTTAG variant in the TRNT1 gene has not been reported previously as a pathogenic variant nor as a benign variant, to our knowledge. The c.542_545delTTAG variant causes a frameshift starting with codon Valine 181, changes this amino acid to a Aspartic acid residue, and creates a premature Stop codon at position 18 of the new reading frame, denoted p.Val181AspfsX18. This variant is predicted to cause loss of normal protein function either through protein truncation or nonsense-mediated mRNA decay. The c.542_545delTTAG variant is not observed at a significant frequency in large population cohorts (Lek et al., 2016; 1000 Genomes Consortium et al., 2015; Exome Variant Server). We interpret c.542_545delTTAG as a strong candidate for a likely pathogenic variant; however, the possibility it may be a rare benign variant cannot be excluded.

Literature cited by the submitters: PubMed 25193871 (cited by Labcorp Genetics (formerly Invitae), Labcorp); PubMed 31980526 (cited by Institute of Human Genetics, Univ. Regensburg, Univ. Regensburg).